The following is an entry in ClinVar:

ClinVar aggregate classification (germline): Likely benign (1 of 4 stars; one submission).

gnomAD v4.1: 16 of 1,613,938 alleles (0.00099%); highest among the groups gnomAD compares: East Asian, 0.025%; no homozygotes.

Submission:

CeGaT Center for Human Genetics Tuebingen
Classification: Likely benign. Last evaluated: 2026-08-01. Review status: criteria provided, single submitter. Criteria: CeGaT Center For Human Genetics Tuebingen Variant Classification Criteria Version 2. Collection method: clinical testing. Allele origin: germline. Affected: yes. Observed: 1 variant allele.
Comment: MACF1: BP4

NM_001394062.1(MACF1):c.3068G>A (p.Arg1023His)

Gene: MACF1 (microtubule actin crosslinking factor 1; plus strand). Cytogenetic location: 1p34.3.
Variant type: single nucleotide variant.
Coding change: c.3068G>A on transcript NM_001394062.1 (MANE Select); coding-DNA position 3068, G replaced by A.
Protein change: p.Arg1023His; replaces arginine 1023 with histidine.
Molecular consequence: missense variant.
Genome position (GRCh38, 1-based): chr1:39,310,396, G>A. VCF-style: chr1-39310396-G-A. GRCh37 (hg19) VCF-style: chr1-39776068-G-A.
Other names: c.3083G>A, p.Arg1028His (NM_012090.5); short protein forms R1023H, R1028H.
Identifiers: ClinVar variation 5038453 (VCV005038453.1).